The following is an entry in ClinVar:

NM_002528.7(NTHL1):c.895C>G (p.Pro299Ala)

Gene: NTHL1 (nth like DNA glycosylase 1; minus strand). Cytogenetic location: 16p13.3.
Variant type: single nucleotide variant.
Coding change: c.895C>G on transcript NM_002528.7 (MANE Select); coding-DNA position 895, C replaced by G.
Protein change: p.Pro299Ala; replaces proline 299 with alanine.
Molecular consequence: missense variant.
Genome position (GRCh38, 1-based): chr16:2,039,944, G>C on the plus strand (C>G on the coding strand, the complement: NTHL1 is on the minus strand). VCF-style: chr16-2039944-G-C. GRCh37 (hg19) VCF-style: chr16-2089945-G-C.
Other names: c.724C>G, p.Pro242Ala (NM_001318193.2); c.565C>G, p.Pro189Ala (NM_001318194.2); short protein forms P299A, P189A, P242A.
Identifiers: ClinVar variation 5025913 (VCV005025913.1).

ClinVar aggregate classification (germline): Uncertain significance (1 of 4 stars; one submission).

Conditions:
Hereditary cancer-predisposing syndrome. Also called: Neoplastic Syndromes, Hereditary; Tumor predisposition; Hereditary neoplastic syndrome; Hereditary Cancer Syndrome. Identifiers: Orphanet 140162, MedGen C0027672, MeSH D009386, MONDO:0015356.

Submission:

Ambry Genetics
Classification: Uncertain significance for Hereditary cancer-predisposing syndrome. Last evaluated: 2026-07-19. Review status: criteria provided, single submitter. Criteria: Ambry Variant Classification Scheme 2023. Collection method: clinical testing. Allele origin: germline.
Comment: The p.P307A variant (also known as c.919C>G), located in coding exon 6 of the NTHL1 gene, results from a C to G substitution at nucleotide position 919. The proline at codon 307 is replaced by alanine, an amino acid with highly similar properties. This amino acid position is conserved. In addition, the in silico prediction for this alteration is inconclusive. Based on the available evidence, the clinical significance of this variant remains unclear.